The following is an entry in ClinVar:

ClinVar aggregate classification (germline): Likely benign (0 of 4 stars; one submission).

Conditions:
Polycystic kidney disease. Also called: Polycystic kidney dysplasia; Kidney, Polycystic. Identifiers: MedGen C0022680, MeSH D007690, MONDO:0020642, HP:0000113.

gnomAD v4.1: 1 of 1,602,422 alleles (0.000062%); no homozygotes.

Submission:

Department of Pathology and Laboratory Medicine, Sinai Health System
Classification: Likely benign for Polycystic Kidney disease. Review status: no assertion criteria provided. Collection method: clinical testing. Allele origin: unknown. Affected: yes. Study: The Canadian Open Genetics Repository (COGR).
Comment: The PKD1 p.Arg4273Arg variant was not identified in the literature nor was it identified in the dbSNP, ClinVar, LOVD 3.0, ADPKD Mutation Database, PKD1-LOVD, Exome Aggregation Consortium (August 8th 2016) and Genome Aggregation Database (Feb 27, 2017). The p.Arg4273Arg variant is not expected to have clinical significance because it does not result in a change of amino acid and is not located in a known consensus splice site. The variant occurs outside of the splicing consensus sequence and in silico or computational prediction software programs (SpliceSiteFinder, MaxEntScan, NNSPLICE, GeneSplicer) do not predict a difference in splicing. In summary, based on the above information the clinical significance of this variant cannot be determined with certainty at this time although we would lean towards a more benign role for this variant. This variant is classified as likely benign.

NM_001009944.3(PKD1):c.12819C>T (p.Arg4273=)

Gene: PKD1 (polycystin 1, transient receptor potential channel interacting; minus strand). Cytogenetic location: 16p13.3.
Variant type: single nucleotide variant.
Coding change: c.12819C>T on transcript NM_001009944.3 (MANE Select); coding-DNA position 12819, C replaced by T.
Protein change: p.Arg4273=; no amino-acid change (arginine 4273 retained).
Molecular consequence: synonymous variant.
Genome position (GRCh38, 1-based): chr16:2,089,820, G>A on the plus strand (C>T on the coding strand, the complement: PKD1 is on the minus strand). VCF-style: chr16-2089820-G-A. GRCh37 (hg19) VCF-style: chr16-2139821-G-A.
Other names: c.12816C>T, p.Arg4272= (NM_000296.4).
Identifiers: ClinVar variation 997166 (VCV000997166.1), dbSNP rs2091381361, ClinGen allele CA493044314.
Genomic context (GRCh38, chr16:2,089,820, plus strand): 5'-CCGAAGGGGTGTCCTGCTGGGGCCAGTGGCCAGGTCCACACCCCGACTGGCCCGGGCAAG[G>A]CGGCTGGGCAGTGCTGGCCGCAGGCCCGGGGATGGGCCACGGGAAGATCCGGCGGGCGCC-3'
Protein context (NP_001009944.3, residues 4263-4283): SPGLRPALPS[Arg4273=]LARASRGVDL